The following is an entry in ClinVar:

NM_001144967.3(NEDD4L):c.574C>T (p.Pro192Ser)

Gene: NEDD4L (NEDD4 like E3 ubiquitin protein ligase; plus strand). Cytogenetic location: 18q21.31.
Variant type: single nucleotide variant.
Coding change: c.574C>T on transcript NM_001144967.3 (MANE Select); coding-DNA position 574, C replaced by T.
Protein change: p.Pro192Ser; replaces proline 192 with serine.
Molecular consequence: missense variant.
Genome position (GRCh38, 1-based): chr18:58,325,056, C>T. VCF-style: chr18-58325056-C-T. GRCh37 (hg19) VCF-style: chr18-55992288-C-T.
Other names: c.211C>T, p.Pro71Ser (NM_001144964.1, NM_001144965.2, NM_001144966.3 and 2 more transcripts); c.550C>T, p.Pro184Ser (NM_001144968.2, NM_001144969.2); c.574C>T, p.Pro192Ser (NM_001243960.2, NM_015277.6); short protein forms P184S, P192S, P71S.
Identifiers: ClinVar variation 837331 (VCV000837331.9), dbSNP rs1204697883, ClinGen allele CA402552618.

ClinVar aggregate classification (germline): Uncertain significance (1 of 4 stars; one submission).

Allele frequency attached by ClinVar (database versions not stated): gnomAD exomes below 0.00001.
gnomAD v4.1: 2 of 1,614,026 alleles (0.00012%); highest among the groups gnomAD compares: South Asian, 0.0011%; no homozygotes.

Submission:

Labcorp Genetics (formerly Invitae), Labcorp
Classification: Uncertain significance. Last evaluated: 2019-05-23. Review status: criteria provided, single submitter. Criteria: Invitae Variant Classification Sherloc (09022015). Collection method: clinical testing. Allele origin: germline.
Comment: This sequence change replaces proline with serine at codon 192 of the NEDD4L protein (p.Pro192Ser). The proline residue is moderately conserved and there is a moderate physicochemical difference between proline and serine. This variant is not present in population databases (ExAC no frequency). This variant has not been reported in the literature in individuals with NEDD4L-related conditions. Algorithms developed to predict the effect of missense changes on protein structure and function (SIFT, PolyPhen-2, Align-GVGD) all suggest that this variant is likely to be tolerated, but these predictions have not been confirmed by published functional studies and their clinical significance is uncertain. In summary, the available evidence is currently insufficient to determine the role of this variant in disease. Therefore, it has been classified as a Variant of Uncertain Significance.